The following is an entry in ClinVar:

ClinVar aggregate classification (germline): Uncertain significance (1 of 4 stars; one submission).

gnomAD v4.1: 6 of 1,613,904 alleles (0.00037%); highest among the groups gnomAD compares: South Asian, 0.0033%; no homozygotes.

Submission:

Labcorp Genetics (formerly Invitae), Labcorp
Classification: Uncertain significance. Last evaluated: 2025-11-25. Review status: criteria provided, single submitter. Criteria: Invitae Variant Classification Sherloc (09022015). Collection method: clinical testing. Allele origin: germline.
Comment: This sequence change replaces alanine, which is neutral and non-polar, with valine, which is neutral and non-polar, at codon 200 of the RIMS1 protein (p.Ala200Val). This variant is not present in population databases (gnomAD no frequency). This missense change has been observed in individual(s) with RIMS1-related conditions (PMID: 31816670). An algorithm developed to predict the effect of missense changes on protein structure and function outputs the following: PolyPhen-2: "Possibly Damaging". The valine amino acid residue is found in multiple mammalian species, which suggests that this missense change does not adversely affect protein function. In summary, the available evidence is currently insufficient to determine the role of this variant in disease. Therefore, it has been classified as a Variant of Uncertain Significance.

Literature cited by the submitters: PubMed 31816670.

NM_014989.7(RIMS1):c.599C>T (p.Ala200Val)

Gene: RIMS1 (regulating synaptic membrane exocytosis 1; plus strand). Cytogenetic location: 6q13.
Variant type: single nucleotide variant.
Coding change: c.599C>T on transcript NM_014989.7 (MANE Select); coding-DNA position 599, C replaced by T.
Protein change: p.Ala200Val; replaces alanine 200 with valine.
Molecular consequence: missense variant.
Genome position (GRCh38, 1-based): chr6:72,179,702, C>T. VCF-style: chr6-72179702-C-T. GRCh37 (hg19) VCF-style: chr6-72889405-C-T.
Other names: short protein forms A200V.
Identifiers: ClinVar variation 4703423 (VCV004703423.1).
Genomic context (GRCh38, chr6:72,179,702, plus strand): 5'-TTGGAAGTGGCCCTCAGCAGACAAGTCAGGATGGAACCCTGAGTGATACAGCTACAGGTG[C>T]TGGCTCTGAGGTACCAAGAGAAAAGAAAGCACGACTCCAAGAGCGATCGCGGTCTCAGAC-3'
Protein context (NP_055804.2, residues 190-210): DGTLSDTATG[Ala200Val]GSEVPREKKA